The following is an entry in ClinVar:

ClinVar aggregate classification (germline): Likely benign (0 of 4 stars; one submission).

Conditions:
LEPR-related disorder. Also called: LEPR-related condition; LEPR-related disorders.

gnomAD v4.1: 6 of 1,614,084 alleles (0.00037%); highest among the groups gnomAD compares: Non-Finnish European, 0.00051%; 1 homozygote.

Submission:

PreventionGenetics, part of Exact Sciences
Classification: Likely benign for LEPR-related condition. Last evaluated: 2023-08-17. Review status: no assertion criteria provided. Collection method: clinical testing. Allele origin: germline.
Comment: This variant is classified as likely benign based on ACMG/AMP sequence variant interpretation guidelines (Richards et al. 2015 PMID: 25741868, with internal and published modifications).

NM_002303.6(LEPR):c.2994T>G (p.Thr998=)

Gene: LEPR (leptin receptor; plus strand). Cytogenetic location: 1p31.3.
Variant type: single nucleotide variant.
Coding change: c.2994T>G on transcript NM_002303.6 (MANE Select); coding-DNA position 2994, T replaced by G.
Protein change: p.Thr998=; no amino-acid change (threonine 998 retained).
Molecular consequence: synonymous variant.
Genome position (GRCh38, 1-based): chr1:65,636,511, T>G. VCF-style: chr1-65636511-T-G. GRCh37 (hg19) VCF-style: chr1-66102194-T-G.
Identifiers: ClinVar variation 3350108 (VCV003350108.1).